The following is an entry in ClinVar:

NM_017636.4(TRPM4):c.1421G>A (p.Arg474His)

Gene: TRPM4 (transient receptor potential cation channel subfamily M member 4; plus strand). Cytogenetic location: 19q13.33.
Variant type: single nucleotide variant.
Coding change: c.1421G>A on transcript NM_017636.4 (MANE Select); coding-DNA position 1421, G replaced by A.
Protein change: p.Arg474His; replaces arginine 474 with histidine.
Molecular consequence: missense variant. On other transcripts: 5 prime UTR variant (1).
Genome position (GRCh38, 1-based): chr19:49,182,735, G>A. VCF-style: chr19-49182735-G-A. GRCh37 (hg19) VCF-style: chr19-49685992-G-A.
Other names: c.1421G>A, p.Arg474His (NM_001195227.2); c.1076G>A, p.Arg359His (NM_001321281.2); c.-133G>A (NM_001321282.2); c.899G>A, p.Arg300His (NM_001321283.2); c.359G>A, p.Arg120His (NM_001321285.2); short protein forms R120H, R300H, R359H, R474H.
Identifiers: ClinVar variation 1318965 (VCV001318965.7), dbSNP rs747037268, ClinGen allele CA406799302.

ClinVar aggregate classification (germline): Uncertain significance. Review status: criteria provided, multiple submitters, no conflicts (2 of 4 stars). 2 submissions from 2 submitters: Uncertain significance (2). Last evaluated 2022-07-25.

Conditions:
Progressive familial heart block type IB (PFHB1B). Identifiers: Orphanet 871, MedGen C1970298, MONDO:0011474, OMIM 604559.

Allele frequency attached by ClinVar (database versions not stated): gnomAD 0.00001.
gnomAD v4.1: 1 of 1,613,906 alleles (0.000062%); highest among the groups gnomAD compares: African/African-American, 0.0013%; no homozygotes.

Submissions (2):

Labcorp Genetics (formerly Invitae), Labcorp
Classification: Uncertain significance for Progressive familial heart block type IB. Last evaluated: 2022-07-25. Review status: criteria provided, single submitter. Criteria: Invitae Variant Classification Sherloc (09022015). Collection method: clinical testing. Allele origin: germline.
Comment: In summary, the available evidence is currently insufficient to determine the role of this variant in disease. Therefore, it has been classified as a Variant of Uncertain Significance. Algorithms developed to predict the effect of missense changes on protein structure and function output the following: SIFT: "Tolerated"; PolyPhen-2: "Benign"; Align-GVGD: "Class C0". The histidine amino acid residue is found in multiple mammalian species, which suggests that this missense change does not adversely affect protein function. ClinVar contains an entry for this variant (Variation ID: 1318965). This variant has not been reported in the literature in individuals affected with TRPM4-related conditions. This variant is not present in population databases (gnomAD no frequency). This sequence change replaces arginine, which is basic and polar, with histidine, which is basic and polar, at codon 474 of the TRPM4 protein (p.Arg474His).

GeneDx
Classification: Uncertain significance. Last evaluated: 2019-04-05. Review status: criteria provided, single submitter. Criteria: GeneDx Variant Classification Process June 2021. Collection method: clinical testing. Allele origin: germline. Affected: yes.
Comment: Has not been previously published as pathogenic or benign to our knowledge; Not observed in large population cohorts (Lek et al., 2016); In silico analysis, which includes protein predictors and evolutionary conservation, supports that this variant does not alter protein structure/function